The following is an entry in ClinVar:

ClinVar aggregate classification (germline): Likely benign (1 of 4 stars; one submission).

Conditions:
RP1L1-related disorder. Also called: RP1L1-related condition.

gnomAD v4.1: 54 of 1,603,666 alleles (0.0034%); highest among the groups gnomAD compares: South Asian, 0.038%; 1 homozygote.

Submission:

PreventionGenetics, part of Exact Sciences
Classification: Likely benign for RP1L1-related condition. Last evaluated: 2025-04-28. Review status: criteria provided, single submitter. Criteria: ACMG Guidelines, 2015. Collection method: clinical testing. Allele origin: germline.
Comment: This variant is classified as likely benign based on ACMG/AMP sequence variant interpretation guidelines (Richards et al. 2015 PMID: 25741868, with internal and published modifications).

NM_178857.6(RP1L1):c.1395G>A (p.Ser465=)

Gene: RP1L1 (RP1 like 1). Cytogenetic location: 8p23.1.
Variant type: single nucleotide variant.
Coding change: c.1395G>A on transcript NM_178857.6 (MANE Select); coding-DNA position 1395, G replaced by A.
Protein change: p.Ser465=; no amino-acid change (serine 465 retained).
Molecular consequence: synonymous variant.
Genome position (GRCh38, 1-based): chr8:10,612,703, C>T on the plus strand (G>A on the coding strand, the complement: RP1L1 is on the minus strand). VCF-style: chr8-10612703-C-T. GRCh37 (hg19) VCF-style: chr8-10470213-C-T.
Identifiers: ClinVar variation 4981297 (VCV004981297.1).